The following is an entry in ClinVar:

NM_000138.5(FBN1):c.2624G>A (p.Cys875Tyr)

Gene: FBN1 (fibrillin 1; minus strand). Cytogenetic location: 15q21.1.
Variant type: single nucleotide variant.
Coding change: c.2624G>A on transcript NM_000138.5 (MANE Select); coding-DNA position 2624, G replaced by A.
Protein change: p.Cys875Tyr; replaces cysteine 875 with tyrosine.
Molecular consequence: missense variant.
Genome position (GRCh38, 1-based): chr15:48,495,176, C>T on the plus strand (G>A on the coding strand, the complement: FBN1 is on the minus strand). VCF-style: chr15-48495176-C-T. GRCh37 (hg19) VCF-style: chr15-48787373-C-T.
Other names: NM_000138.5(FBN1):c.2624G>A; p.Cys875Tyr; short protein forms C875Y.
Identifiers: ClinVar variation 264089 (VCV000264089.18), dbSNP rs886039038, ClinGen allele CA10587846.

ClinVar aggregate classification (germline): Likely pathogenic. Review status: reviewed by expert panel (3 of 4 stars). 4 submissions from 4 submitters: Likely pathogenic (1). 3 of the submissions do not count toward it. Last evaluated 2023-12-29.

Conditions:
Marfan syndrome (MFS). Also called: MARFAN SYNDROME, TYPE I; FBN1-Related Marfan Syndrome; Marfan syndrome, classic; Marfan syndrome type 1; Marfan's syndrome. Identifiers: Orphanet 284963, Orphanet 558, MedGen C0024796, MONDO:0007947, OMIM 154700.
Familial thoracic aortic aneurysm and aortic dissection (TAAD). Also called: Thoracic aortic aneurysms and dissections. Identifiers: Orphanet 91387, MedGen C4707243, MONDO:0019625.

Submissions (4):

ClinGen FBN1 Variant Curation Expert Panel, ClinGen
Classification: Likely pathogenic for Marfan syndrome. Last evaluated: 2023-12-29. Review status: reviewed by expert panel. Criteria: Assertion Criteria VCEP FBN1 Version 1. Collection method: curation. Allele origin: germline. Inheritance: Autosomal dominant inheritance.
Comment: The NM_00138 c.2624G>A is a missense variant in FBN1 predicted to cause a substitution of a cysteine by tyrosine at amino acid 875 (p.Cys875Tyr). This variant has been reported three times in ClinVar: twice as likely pathogenic and once as uncertain significance (Variation ID: 264089). A different missense variant impacting the same residue, p.Cys875Arg has been previously reported in individuals with clinical features of Marfan syndrome and found to segregate with disease in multiple affected relatives from one family (PMID 19293843, 28973303, internal data; PM5). This variant is not present in gnomAD (PM2_sup; v2.1.1). This variant affects a cysteine residue in a hybrid domain. Cysteine residues are believed to be involved in the formation of disulfide bridges which are essential for the protein structure (PM1). Computational prediction tools and conservation analysis suggest that this variant may impact the protein (REVEL: 0.986, PP3). The constraint z-score for missense variants affecting FBN1 is 5.06 (PP2). In summary, this variant meets criteria to be classified as likely pathogenic for Marfan syndrome based on the ACMG/AMP criteria applied, as specified by the ClinGen FBN1 VCEP: PM1, PM5, PM2_Sup, PP2, PP3.

Labcorp Genetics (formerly Invitae), Labcorp
Classification: Likely pathogenic for Marfan syndrome; Familial thoracic aortic aneurysm and aortic dissection. Last evaluated: 2019-12-11. Review status: criteria provided, single submitter. Criteria: Invitae Variant Classification Sherloc (09022015). Collection method: clinical testing. Allele origin: germline. Not counted in ClinVar's aggregate classification.
Comment: This variant affects a cysteine residue in the EGF-like, TGFBP or hybrid motif domains of FBN1. Cysteine residues are believed to be involved in intramolecular disulfide bridges and have been shown to be important for FBN1 protein structure (PMID: 16905551, 19349279). In addition, missense substitutions affecting cysteine residues within these domains are significantly overrepresented among patients with Marfan syndrome (PMID: 16571647, 17701892). In summary, the currently available evidence indicates that the variant is pathogenic, but additional data are needed to prove that conclusively. Therefore, this variant has been classified as Likely Pathogenic. This variant disrupts the p.Cys875 amino acid residue in FBN1. Other variant(s) that disrupt this residue have been observed in individuals with FBN1-related conditions (PMID: 19293843, 28973303), which suggests that this may be a clinically significant amino acid residue. Algorithms developed to predict the effect of missense changes on protein structure and function are either unavailable or do not agree on the potential impact of this missense change (SIFT: "Deleterious"; PolyPhen-2: "Probably Damaging"; Align-GVGD: "Class C0"). This variant has not been reported in the literature in individuals with FBN1-related conditions. ClinVar contains an entry for this variant (Variation ID: 264089). This variant is not present in population databases (ExAC no frequency). This sequence change replaces cysteine with tyrosine at codon 875 of the FBN1 protein (p.Cys875Tyr). The cysteine residue is highly conserved and there is a large physicochemical difference between cysteine and tyrosine.

CHEO Genetics Diagnostic Laboratory, Children's Hospital of Eastern Ontario
Classification: Uncertain significance for Familial thoracic aortic aneurysm and aortic dissection. Last evaluated: 2016-09-01. Review status: criteria provided, single submitter. Criteria: ACMG Guidelines, 2015. Collection method: clinical testing. Allele origin: germline. Study: Canadian Open Genetics Repository. Not counted in ClinVar's aggregate classification.

Ambry Genetics
Classification: Likely pathogenic for Familial thoracic aortic aneurysm and aortic dissection. Last evaluated: 2015-05-27. Review status: criteria provided, single submitter. Criteria: Ambry Variant Classification Scheme 2023. Collection method: clinical testing. Allele origin: germline. Not counted in ClinVar's aggregate classification.
Comment: The p.C875Y variant (also known as c.2624G>A), located in coding exon 21 of the FBN1 gene, results from a G to A substitution at nucleotide position 2624. The cysteine at codon 875 is replaced by tyrosine, an amino acid with highly dissimilar properties, in the hybrid motif #02 domain. Based on internal structural analysis, this variant is anticipated to result in a significant decrease in structural stability (Jensen SA et al. Structure 2009;17(5):759-68). Another alteration at the same codon, p.C875R, has been reported in a familial case of classical Marfan syndrome (Stheneur C et al. Eur J Hum Genet. 2009;17(9):1121-8). This variant was not reported in population based cohorts in the following databases: Database of Single Nucleotide Polymorphisms (dbSNP), NHLBI Exome Sequencing Project (ESP), and 1000 Genomes Project. In the ESP, this variant was not observed in 6493 samples (12986 alleles) with coverage at this position. This amino acid position is highly conserved in available vertebrate species. In addition, this alteration is predicted to be deleterious by in silico analysis. Based on the majority of available evidence to date, this variant is likely to be pathogenic.

Literature cited by the submitters: PubMed 16905551 (cited by Labcorp Genetics (formerly Invitae), Labcorp); PubMed 19349279 (cited by Labcorp Genetics (formerly Invitae), Labcorp); PubMed 16571647 (cited by Labcorp Genetics (formerly Invitae), Labcorp); PubMed 17701892 (cited by Labcorp Genetics (formerly Invitae), Labcorp); PubMed 19293843 (cited by Labcorp Genetics (formerly Invitae), Labcorp and Ambry Genetics); PubMed 28973303 (cited by Labcorp Genetics (formerly Invitae), Labcorp).